The following is an entry in ClinVar:

NM_024408.4(NOTCH2):c.4964T>C (p.Ile1655Thr)

Gene: NOTCH2 (notch receptor 2; minus strand). Cytogenetic location: 1p12.
Variant type: single nucleotide variant.
Coding change: c.4964T>C on transcript NM_024408.4 (MANE Select); coding-DNA position 4964, T replaced by C.
Protein change: p.Ile1655Thr; replaces isoleucine 1655 with threonine.
Molecular consequence: missense variant.
Genome position (GRCh38, 1-based): chr1:119,922,674, A>G on the plus strand (T>C on the coding strand, the complement: NOTCH2 is on the minus strand). VCF-style: chr1-119922674-A-G. GRCh37 (hg19) VCF-style: chr1-120465297-A-G.
Other names: short protein forms I1655T.
Identifiers: ClinVar variation 1426777 (VCV001426777.9), dbSNP rs1475486687, ClinGen allele CA341887475.

ClinVar aggregate classification (germline): Uncertain significance. Review status: criteria provided, multiple submitters, no conflicts (2 of 4 stars). 2 submissions from 2 submitters: Uncertain significance (2). Last evaluated 2024-04-30.

Conditions:
Hajdu-Cheney syndrome (HJCYS). Also called: Acroosteolysis dominant type; SERPENTINE FIBULA-POLYCYSTIC KIDNEY SYNDROME; ACROOSTEOLYSIS WITH OSTEOPOROSIS AND CHANGES IN SKULL AND MANDIBLE. Identifiers: Orphanet 955, MedGen C0917715, MONDO:0007057, OMIM 102500.
Alagille syndrome due to a NOTCH2 point mutation. Also called: Alagille syndrome 2. Identifiers: Orphanet 261629, Orphanet 52, MedGen C1857761, MONDO:0012439, OMIM 610205.

Allele frequency attached by ClinVar (database versions not stated): TOPMed below 0.00001; gnomAD 0.00001; gnomAD exomes 0.00001.
gnomAD v4.1: 6 of 1,614,038 alleles (0.00037%); highest among the groups gnomAD compares: Non-Finnish European, 0.00051%; no homozygotes.

Submissions (2):

Fulgent Genetics
Classification: Uncertain significance for Hajdu-Cheney syndrome; Alagille syndrome due to a NOTCH2 point mutation. Last evaluated: 2024-04-30. Review status: criteria provided, single submitter. Criteria: ACMG Guidelines, 2015. Collection method: clinical testing. Allele origin: germline.

Labcorp Genetics (formerly Invitae), Labcorp
Classification: Uncertain significance for Hajdu-Cheney syndrome. Last evaluated: 2021-05-18. Review status: criteria provided, single submitter. Criteria: Invitae Variant Classification Sherloc (09022015). Collection method: clinical testing. Allele origin: germline.
Comment: Advanced modeling of protein sequence and biophysical properties (such as structural, functional, and spatial information, amino acid conservation, physicochemical variation, residue mobility, and thermodynamic stability) performed at Invitae indicates that this missense variant is not expected to disrupt NOTCH2 protein function. In summary, the available evidence is currently insufficient to determine the role of this variant in disease. Therefore, it has been classified as a Variant of Uncertain Significance. This variant has not been reported in the literature in individuals with NOTCH2-related conditions. This sequence change replaces isoleucine with threonine at codon 1655 of the NOTCH2 protein (p.Ile1655Thr). The isoleucine residue is highly conserved and there is a moderate physicochemical difference between isoleucine and threonine. This variant is not present in population databases (ExAC no frequency).